The following is an entry in ClinVar:

NM_004082.5(DCTN1):c.2649C>T (p.Ser883=)

Gene: DCTN1 (dynactin subunit 1; minus strand). Cytogenetic location: 2p13.1.
Variant type: single nucleotide variant.
Coding change: c.2649C>T on transcript NM_004082.5 (MANE Select); coding-DNA position 2649, C replaced by T.
Protein change: p.Ser883=; no amino-acid change (serine 883 retained).
Molecular consequence: synonymous variant. On other transcripts: non-coding transcript variant (1).
Genome position (GRCh38, 1-based): chr2:74,366,355, G>A on the plus strand (C>T on the coding strand, the complement: DCTN1 is on the minus strand). VCF-style: chr2-74366355-G-A. GRCh37 (hg19) VCF-style: chr2-74593482-G-A.
Other names: p.Ser883=; c.2589C>T, p.Ser863= (NM_001135040.3); c.2247C>T, p.Ser749= (NM_001135041.3, NM_023019.4); c.2538C>T, p.Ser846= (NM_001190836.2); c.2628C>T, p.Ser876= (NM_001190837.2); c.2598C>T, p.Ser866= (NM_001378991.1); c.2580C>T, p.Ser860= (NM_001378992.1).
Identifiers: ClinVar variation 468267 (VCV000468267.19), dbSNP rs140986485, ClinGen allele CA1721775.

ClinVar aggregate classification (germline): Benign/Likely benign. Review status: criteria provided, multiple submitters, no conflicts (2 of 4 stars). 6 submissions from 6 submitters: Benign (2); Likely benign (3). 1 of the submissions does not count toward it. Last evaluated 2026-01-11.

Conditions:
Perry syndrome. Also called: PARKINSONISM WITH ALVEOLAR HYPOVENTILATION AND MENTAL DEPRESSION. Identifiers: Orphanet 178509, MedGen C1868594, MONDO:0008201, OMIM 168605.
Neuronopathy, distal hereditary motor, type 7B. Also called: Distal Hereditary Motor Neuronopathy Type 7B (dHMN7B); HMN VIIB; LOWER MOTOR NEURON DISEASE, DYNACTIN TYPE; NEURONOPATHY, DISTAL HEREDITARY MOTOR, AUTOSOMAL DOMINANT 14; NEURONOPATHY, DISTAL HEREDITARY MOTOR, HARDING TYPE VIIB; NEUROPATHY, DISTAL HEREDITARY MOTOR, HARDING TYPE VIIB. Identifiers: Orphanet 139589, MedGen C1843315, MONDO:0011879, OMIM 607641.
Amyotrophic lateral sclerosis type 1 (ALS1). Also called: AMYOTROPHIC LATERAL SCLEROSIS 1, FAMILIAL. Identifiers: Orphanet 803, MedGen C1862939, MONDO:0007103, OMIM 105400.
DCTN1-related disorder. Also called: DCTN1-related condition.
Inborn genetic diseases. Identifiers: MedGen C0950123, MeSH D030342.

Allele frequency attached by ClinVar (database versions not stated): gnomAD exomes 0.00014 and 0.00037; ExAC 0.00051; gnomAD 0.00123 and 0.00130; TOPMed 0.00150; ESP Exome Variant Server 0.00200; 1000 Genomes Project 0.00260; 1000 Genomes Project 30x 0.00281.
gnomAD v4.1: 406 of 1,614,234 alleles (0.025%); highest among the groups gnomAD compares: African/African-American, 0.46%; 5 homozygotes.

Submissions (6):

Labcorp Genetics (formerly Invitae), Labcorp
Classification: Benign for Amyotrophic lateral sclerosis type 1; Neuronopathy, distal hereditary motor, type 7B; Perry syndrome. Last evaluated: 2026-01-11. Review status: criteria provided, single submitter. Criteria: Invitae Variant Classification Sherloc (09022015). Collection method: clinical testing. Allele origin: germline.

Mayo Clinic Laboratories, Mayo Clinic
Classification: Likely benign. Last evaluated: 2025-02-14. Review status: criteria provided, single submitter. Criteria: ACMG Guidelines, 2015. Collection method: clinical testing. Allele origin: germline. Observed: 2 variant alleles.
Comment: BS1, BP4, BP7

Blueprint Genetics
Classification: Likely benign. Last evaluated: 2024-09-16. Review status: criteria provided, single submitter. Criteria: ACMG Guidelines, 2015. Collection method: clinical testing. Allele origin: germline.

Ambry Genetics
Classification: Likely benign for Inborn genetic diseases. Last evaluated: 2019-07-11. Review status: criteria provided, single submitter. Criteria: Ambry Variant Classification Scheme 2023. Collection method: clinical testing. Allele origin: germline.

Breakthrough Genomics
Classification: Benign. Review status: criteria provided, single submitter. Criteria: ACMG Guidelines, 2015. Collection method: not provided. Allele origin: germline. Inheritance: Autosomal recessive inheritance. Affected: yes.

PreventionGenetics, part of Exact Sciences
Classification: Likely benign for DCTN1-related condition. Last evaluated: 2023-07-28. Review status: no assertion criteria provided. Collection method: clinical testing. Allele origin: germline. Not counted in ClinVar's aggregate classification.
Comment: This variant is classified as likely benign based on ACMG/AMP sequence variant interpretation guidelines (Richards et al. 2015 PMID: 25741868, with internal and published modifications).